The following is an entry in ClinVar:

ClinVar aggregate classification (germline): Benign (1 of 4 stars; one submission).

Conditions:
Melanoma-pancreatic cancer syndrome. Identifiers: Orphanet 404560, MedGen C1838547, MONDO:0011713, OMIM 606719. Disease mechanism: loss of function.

Submission:

Myriad Genetics, Inc.
Classification: Benign for Melanoma-pancreatic cancer syndrome. Last evaluated: 2025-08-15. Review status: criteria provided, single submitter. Criteria: Myriad Autosomal Dominant, Autosomal Recessive and X-Linked Classification Criteria (2023). Collection method: clinical testing. Allele origin: unknown.
Comment: This variant is considered benign. This variant is intronic and is not expected to impact mRNA splicing.

NM_000077.5(CDKN2A):c.458-110T>A

Gene: CDKN2A (cyclin dependent kinase inhibitor 2A; minus strand). Cytogenetic location: 9p21.3.
Variant type: single nucleotide variant.
Coding change: c.458-110T>A on transcript NM_000077.5 (MANE Select); 110 bases into the intron before coding-DNA position 458, T replaced by A.
Molecular consequence: intron variant.
Genome position (GRCh38, 1-based): chr9:21,968,352, A>T on the plus strand (T>A on the coding strand, the complement: CDKN2A is on the minus strand). VCF-style: chr9-21968352-A-T. GRCh37 (hg19) VCF-style: chr9-21968351-A-T.
Other names: c.305-110T>A (NM_001363763.2); c.*102-110T>A (NM_058195.4); c.*151-110T>A (NM_001195132.2); c.*381-110T>A (NM_058197.5).
Identifiers: ClinVar variation 4294203 (VCV004294203.1).